The following is an entry in ClinVar:

NM_001271.4(CHD2):c.4070A>G (p.Glu1357Gly)

Gene: CHD2 (chromodomain helicase DNA binding protein 2; plus strand). Cytogenetic location: 15q26.1.
Variant type: single nucleotide variant.
Coding change: c.4070A>G on transcript NM_001271.4 (MANE Select); coding-DNA position 4070, A replaced by G.
Protein change: p.Glu1357Gly; replaces glutamic acid 1357 with glycine.
Molecular consequence: missense variant.
Genome position (GRCh38, 1-based): chr15:93,000,573, A>G. VCF-style: chr15-93000573-A-G. GRCh37 (hg19) VCF-style: chr15-93543803-A-G.
Other names: short protein forms E1357G.
Identifiers: ClinVar variation 1368420 (VCV001368420.6), dbSNP rs2141871721, ClinGen allele CA393900420.

ClinVar aggregate classification (germline): Uncertain significance (1 of 4 stars; one submission).

Conditions:
Developmental and epileptic encephalopathy 94 (DEE94). Also called: CHD2-Related Neurodevelopmental Disorders; Epileptic encephalopathy, childhood-onset. Identifiers: Orphanet 1942, Orphanet 2382, MedGen C3809278, MONDO:0014150, OMIM 615369.

Submission:

Labcorp Genetics (formerly Invitae), Labcorp
Classification: Uncertain significance for Developmental and epileptic encephalopathy 94. Last evaluated: 2021-08-29. Review status: criteria provided, single submitter. Criteria: Invitae Variant Classification Sherloc (09022015). Collection method: clinical testing. Allele origin: germline.
Comment: In summary, the available evidence is currently insufficient to determine the role of this variant in disease. Therefore, it has been classified as a Variant of Uncertain Significance. Advanced modeling of protein sequence and biophysical properties (such as structural, functional, and spatial information, amino acid conservation, physicochemical variation, residue mobility, and thermodynamic stability) performed at Invitae indicates that this missense variant is not expected to disrupt CHD2 protein function. This variant has not been reported in the literature in individuals affected with CHD2-related conditions. This variant is not present in population databases (ExAC no frequency). This sequence change replaces glutamic acid with glycine at codon 1357 of the CHD2 protein (p.Glu1357Gly). The glutamic acid residue is weakly conserved and there is a moderate physicochemical difference between glutamic acid and glycine.